The following is an entry in ClinVar:

NM_000465.4(BARD1):c.1425G>A (p.Lys475=)

Gene: BARD1 (BRCA1 associated RING domain 1; minus strand). Cytogenetic location: 2q35.
Variant type: single nucleotide variant.
Coding change: c.1425G>A on transcript NM_000465.4 (MANE Select); coding-DNA position 1425, G replaced by A.
Protein change: p.Lys475=; no amino-acid change (lysine 475 retained).
Molecular consequence: synonymous variant. On other transcripts: non-coding transcript variant (3), intron variant (3).
Genome position (GRCh38, 1-based): chr2:214,767,625, C>T on the plus strand (G>A on the coding strand, the complement: BARD1 is on the minus strand). VCF-style: chr2-214767625-C-T. GRCh37 (hg19) VCF-style: chr2-215632349-C-T.
Other names: c.1368G>A, p.Lys456= (NM_001282543.2); c.159-15070G>A (NM_001282548.2); c.216-15070G>A (NM_001282545.2); c.364+24672G>A (NM_001282549.2).
Identifiers: ClinVar variation 386139 (VCV000386139.16), dbSNP rs1057522431, ClinGen allele CA16604047.

ClinVar aggregate classification (germline): Benign/Likely benign. Review status: criteria provided, multiple submitters, no conflicts (2 of 4 stars). 5 submissions from 5 submitters: Benign (1); Likely benign (4). Last evaluated 2025-11-04.

Conditions:
Hereditary cancer-predisposing syndrome. Also called: Hereditary Cancer Syndrome; Hereditary neoplastic syndrome; Neoplastic Syndromes, Hereditary; Tumor predisposition. Identifiers: Orphanet 140162, MedGen C0027672, MeSH D009386, MONDO:0015356.
Familial cancer of breast. Also called: hereditary breast carcinoma; Hereditary breast cancer; BREAST CANCER, FAMILIAL. Identifiers: Orphanet 227535, MedGen C0346153, MONDO:0016419, OMIM 114480. Disease mechanism: loss of function.

Submissions (5):

Ambry Genetics
Classification: Likely benign for Hereditary cancer-predisposing syndrome. Last evaluated: 2025-11-04. Review status: criteria provided, single submitter. Criteria: Ambry Variant Classification Scheme 2023. Collection method: clinical testing. Allele origin: germline.

Labcorp Genetics (formerly Invitae), Labcorp
Classification: Likely benign for Familial cancer of breast. Last evaluated: 2025-01-28. Review status: criteria provided, single submitter. Criteria: Invitae Variant Classification Sherloc (09022015). Collection method: clinical testing. Allele origin: germline.

Myriad Genetics, Inc.
Classification: Benign for Familial cancer of breast. Last evaluated: 2024-07-25. Review status: criteria provided, single submitter. Criteria: Myriad Autosomal Dominant, Autosomal Recessive and X-Linked Classification Criteria (2023). Collection method: clinical testing. Allele origin: unknown.
Comment: This variant is considered benign. This variant is a silent/synonymous amino acid change and it is not expected to impact splicing.

Color Diagnostics, LLC DBA Color Health
Classification: Likely benign for Hereditary cancer-predisposing syndrome. Last evaluated: 2019-01-28. Review status: criteria provided, single submitter. Criteria: ACMG Guidelines, 2015. Collection method: clinical testing. Allele origin: germline.

GeneDx
Classification: Likely benign. Last evaluated: 2016-05-12. Review status: criteria provided, single submitter. Criteria: GeneDx Variant Classification (06012015). Collection method: clinical testing. Allele origin: germline. Affected: yes.
Comment: This variant is considered likely benign or benign based on one or more of the following criteria: it is a conservative change, it occurs at a poorly conserved position in the protein, it is predicted to be benign by multiple in silico algorithms, and/or has population frequency not consistent with disease.